The following is an entry in ClinVar:

NM_052859.4(RFT1):c.743_746del (p.Lys248fs)

Gene: RFT1 (RFT1 glycolipid translocator homolog; minus strand). Cytogenetic location: 3p21.1.
Variant type: Deletion.
Coding change: c.743_746del on transcript NM_052859.4 (MANE Select); coding-DNA positions 743 to 746, 4 bases deleted (AACA; older notation c.743_746delAACA).
Protein change: p.Lys248fs; shifts the reading frame from lysine 248.
Molecular consequence: frameshift variant.
Genome position (GRCh38, 1-based): chr3:53,111,859-53,111,862, TGTT deleted on the plus strand (AACA on the coding strand, the reverse complement: RFT1 is on the minus strand); deleting any 4 consecutive bases within chr3:53,111,859-53,111,864 gives the same sequence; the c. name uses the placement nearest the transcript's 3' end. VCF-style (leftmost placement, unchanged base first): chr3-53111858-CTGTT-C. GRCh37 (hg19) VCF-style: chr3-53145874-CTGTT-C.
Other names: short protein forms K248fs.
Identifiers: ClinVar variation 1406320 (VCV001406320.5), dbSNP rs773274468, ClinGen allele CA2451360.
Genomic context (GRCh38, chr3:53,111,858, plus strand): 5'-CTCCCGACGATTCAGAGTGACCGTCTACTTACCTTCTGTCAAAATCTGTTTCAAGAAAGA[CTGTT>C]TGAAAAAACTCCAAGTCAGTTTAGCCTCTTTCCAGTTTATAAACGCCTAGAAGAGAAAAC-3'

ClinVar aggregate classification (germline): Uncertain significance (1 of 4 stars; one submission).

Conditions:
RFT1-congenital disorder of glycosylation (CDG1N). Also called: CDG In; RFT1-CDG; Congenital disorder of glycosylation type In. Identifiers: Orphanet 244310, MedGen C2677590, MONDO:0012783, OMIM 612015.

Submission:

Labcorp Genetics (formerly Invitae), Labcorp
Classification: Uncertain significance for RFT1-congenital disorder of glycosylation. Last evaluated: 2024-02-23. Review status: criteria provided, single submitter. Criteria: Invitae Variant Classification Sherloc (09022015). Collection method: clinical testing. Allele origin: germline.
Comment: This sequence change creates a premature translational stop signal (p.Lys248Serfs*4) in the RFT1 gene. It is expected to result in an absent or disrupted protein product. However, the current clinical and genetic evidence is not sufficient to establish whether loss-of-function variants in RFT1 cause disease. This variant is present in population databases (rs773274468, gnomAD 0.003%). This variant has not been reported in the literature in individuals affected with RFT1-related conditions. ClinVar contains an entry for this variant (Variation ID: 1406320). In summary, the available evidence is currently insufficient to determine the role of this variant in disease. Therefore, it has been classified as a Variant of Uncertain Significance.